The following is an entry in ClinVar:

ClinVar aggregate classification (germline): Pathogenic (1 of 4 stars; one submission).

Conditions:
Primary ciliary dyskinesia. Also called: Ciliary dyskinesia. Identifiers: Orphanet 244, MedGen C0008780, MONDO:0016575, HP:0012265.

Submission:

Labcorp Genetics (formerly Invitae), Labcorp
Classification: Pathogenic for Primary ciliary dyskinesia. Last evaluated: 2025-01-06. Review status: criteria provided, single submitter. Criteria: Invitae Variant Classification Sherloc (09022015). Collection method: clinical testing. Allele origin: germline.
Comment: This sequence change creates a premature translational stop signal (p.Pro868Leufs*48) in the CCDC39 gene. While this is not anticipated to result in nonsense mediated decay, it is expected to disrupt the last 74 amino acid(s) of the CCDC39 protein. This variant is not present in population databases (gnomAD no frequency). This premature translational stop signal has been observed in individual(s) with primary ciliary dyskinesia (internal data). It has also been observed to segregate with disease in related individuals. ClinVar contains an entry for this variant (Variation ID: 2814097). For these reasons, this variant has been classified as Pathogenic.

NM_181426.2(CCDC39):c.2601_2607del (p.Pro868fs)

Genes: CCDC39 (coiled-coil domain 39 molecular ruler complex subunit; minus strand), TTC14 (tetratricopeptide repeat domain 14; plus strand). Cytogenetic location: 3q26.33.
Variant type: Deletion.
Coding change: c.2601_2607del on transcript NM_181426.2 (MANE Select); coding-DNA positions 2601 to 2607, 7 bases deleted (ACCTACA; older notation c.2601_2607delACCTACA).
Protein change: p.Pro868fs; shifts the reading frame from proline 868.
Molecular consequence: frameshift variant. On other transcripts: intron variant (1).
Genome position (GRCh38, 1-based): chr3:180,616,343-180,616,349, TGTAGGT deleted on the plus strand (ACCTACA on the coding strand, the reverse complement: CCDC39 is on the minus strand). VCF-style (leftmost placement, unchanged base first): chr3-180616342-CTGTAGGT-C. GRCh37 (hg19) VCF-style: chr3-180334130-CTGTAGGT-C.
Other names: c.1775-1037_1775-1031del (NM_001288582.2); short protein forms P868fs.
Identifiers: ClinVar variation 2814097 (VCV002814097.3), dbSNP rs2473776818, ClinGen allele CA2739279793.